The following is an entry in ClinVar:

ClinVar aggregate classification (germline): Pathogenic (1 of 4 stars; one submission).

gnomAD v4.1: 1 of 1,612,432 alleles (0.000062%); highest among the groups gnomAD compares: Non-Finnish European, 0.000085%; no homozygotes.

Submission:

Labcorp Genetics (formerly Invitae), Labcorp
Classification: Pathogenic. Last evaluated: 2025-04-21. Review status: criteria provided, single submitter. Criteria: Invitae Variant Classification Sherloc (09022015). Collection method: clinical testing. Allele origin: germline.
Comment: This sequence change creates a premature translational stop signal (p.Lys3074*) in the VPS13A gene. It is expected to result in an absent or disrupted protein product. Loss-of-function variants in VPS13A are known to be pathogenic (PMID: 12404112, 21598378). This variant is not present in population databases (gnomAD no frequency). This variant has not been reported in the literature in individuals affected with VPS13A-related conditions. ClinVar contains an entry for this variant (Variation ID: 3728589). For these reasons, this variant has been classified as Pathogenic.

Literature cited by the submitters: PubMed 12404112; PubMed 21598378.

NM_033305.3(VPS13A):c.9220A>T (p.Lys3074Ter)

Gene: VPS13A (vacuolar protein sorting 13 homolog A; plus strand). Cytogenetic location: 9q21.2.
Variant type: single nucleotide variant.
Coding change: c.9220A>T on transcript NM_033305.3 (MANE Select); coding-DNA position 9220, A replaced by T.
Protein change: p.Lys3074Ter; replaces lysine 3074 with a stop codon.
Molecular consequence: nonsense.
Genome position (GRCh38, 1-based): chr9:77,403,266, A>T. VCF-style: chr9-77403266-A-T. GRCh37 (hg19) VCF-style: chr9-80018182-A-T.
Other names: c.9103A>T, p.Lys3035Ter (NM_001018037.2); short protein forms K3035*, K3074*.
Identifiers: ClinVar variation 3728589 (VCV003728589.2).
Genomic context (GRCh38, chr9:77,403,266, plus strand): 5'-TTCTCATTGTCTCTCACTTTTTTCTTTTAGGTCATGGAAAATGGAAGATTTGCAAAATAC[A>T]AATATTTTACCCATGTCATGATCAATAAGACAGATATGCTAATGATAACCAGACGGTAAC-3'